The following is an entry in ClinVar:

NM_017514.5(PLXNA3):c.1782C>T (p.Cys594=)

Gene: PLXNA3 (plexin A3; plus strand). Cytogenetic location: Xq28.
Variant type: single nucleotide variant.
Coding change: c.1782C>T on transcript NM_017514.5 (MANE Select); coding-DNA position 1782, C replaced by T.
Protein change: p.Cys594=; no amino-acid change (cysteine 594 retained).
Molecular consequence: synonymous variant.
Genome position (GRCh38, 1-based): chrX:154,464,267, C>T. VCF-style: chrX-154464267-C-T. GRCh37 (hg19) VCF-style: chrX-153692610-C-T.
Identifiers: ClinVar variation 4985740 (VCV004985740.1).

ClinVar aggregate classification (germline): Likely benign (1 of 4 stars; one submission).

Conditions:
PLXNA3-related disorder. Also called: PLXNA3-related condition.

gnomAD v4.1: 4 of 1,207,505 alleles (0.00033%); highest among the groups gnomAD compares: African/African-American, 0.0069%; no homozygotes.

Submission:

PreventionGenetics, part of Exact Sciences
Classification: Likely benign for PLXNA3-related condition. Last evaluated: 2025-03-15. Review status: criteria provided, single submitter. Criteria: ACMG Guidelines, 2015. Collection method: clinical testing. Allele origin: germline.
Comment: This variant is classified as likely benign based on ACMG/AMP sequence variant interpretation guidelines (Richards et al. 2015 PMID: 25741868, with internal and published modifications).